The following is an entry in ClinVar:

NM_000142.5(FGFR3):c.2031-4G>A

Gene: FGFR3 (fibroblast growth factor receptor 3; plus strand). Cytogenetic location: 4p16.3.
Variant type: single nucleotide variant.
Coding change: c.2031-4G>A on transcript NM_000142.5 (MANE Select); 4 bases into the intron before coding-DNA position 2031, G replaced by A.
Molecular consequence: intron variant.
Genome position (GRCh38, 1-based): chr4:1,806,542, G>A. VCF-style: chr4-1806542-G-A. GRCh37 (hg19) VCF-style: chr4-1808269-G-A.
Other names: c.2037-4G>A (NM_001163213.2); c.2034-4G>A (NM_001354809.2); c.1963-4G>A (NM_001354810.2); c.1695-4G>A (NM_022965.4).
Identifiers: ClinVar variation 2682379 (VCV002682379.2), dbSNP rs2108811212, ClinGen allele CA2697557055.

ClinVar aggregate classification (germline): Uncertain significance (1 of 4 stars; one submission).

Submission:

Women's Health and Genetics/Laboratory Corporation of America, LabCorp
Classification: Uncertain significance. Last evaluated: 2024-06-10. Review status: criteria provided, single submitter. Criteria: LabCorp Variant Classification Summary - May 2015. Collection method: clinical testing. Allele origin: germline.
Comment: Variant summary: FGFR3 c.2031-4G>A alters a conserved nucleotide located close to a canonical splice site and therefore could affect mRNA splicing, leading to a significantly altered protein sequence. Consensus agreement among computation tools predict no significant impact on normal splicing. However, these predictions have yet to be confirmed by functional studies. The variant was absent in 250232 control chromosomes. These data do not allow any conclusion about variant significance. To our knowledge, no experimental evidence demonstrating an impact on protein function has been reported. ClinVar contains an entry for this variant (Variation ID: 2682379). Based on the evidence outlined above, the variant was classified as VUS-possibly pathogenic.